The following is an entry in ClinVar:

NM_001845.6(COL4A1):c.3704A>G (p.Lys1235Arg)

Gene: COL4A1 (collagen type IV alpha 1 chain; minus strand). Cytogenetic location: 13q34.
Variant type: single nucleotide variant.
Coding change: c.3704A>G on transcript NM_001845.6 (MANE Select); coding-DNA position 3704, A replaced by G.
Protein change: p.Lys1235Arg; replaces lysine 1235 with arginine.
Molecular consequence: missense variant.
Genome position (GRCh38, 1-based): chr13:110,170,585, T>C on the plus strand (A>G on the coding strand, the complement: COL4A1 is on the minus strand). VCF-style: chr13-110170585-T-C. GRCh37 (hg19) VCF-style: chr13-110822932-T-C.
Other names: short protein forms K1235R.
Identifiers: ClinVar variation 1027964 (VCV001027964.9), dbSNP rs781655700, ClinGen allele CA7047173.

ClinVar aggregate classification (germline): Uncertain significance. Review status: criteria provided, multiple submitters, no conflicts (2 of 4 stars). 4 submissions from 4 submitters: Uncertain significance (3). 1 of the submissions does not count toward it. Last evaluated 2024-09-23.

Conditions:
Retinal arterial tortuosity. Also called: RETINAL HEMORRHAGE WITH VASCULAR TORTUOSITY; Retinal arteries, tortuosity of. Identifiers: Orphanet 75326, MedGen C0423401, MONDO:0008373, OMIM 180000, HP:0000631.
Congenital anomaly of kidney and urinary tract. Also called: Congenital anomalies of the kidney and urinary tract; Congenital anomalies of kidney and urinary tract. Identifiers: Orphanet 93545, MedGen C1968949, MeSH C566906, MONDO:0019719.

Allele frequency attached by ClinVar (database versions not stated): gnomAD exomes 0.00001; ExAC 0.00004.
gnomAD v4.1: 9 of 1,609,974 alleles (0.00056%); highest among the groups gnomAD compares: Middle Eastern, 0.034%; no homozygotes.

Submissions (4):

Labcorp Genetics (formerly Invitae), Labcorp
Classification: Uncertain significance. Last evaluated: 2024-09-23. Review status: criteria provided, single submitter. Criteria: Invitae Variant Classification Sherloc (09022015). Collection method: clinical testing. Allele origin: germline.
Comment: This sequence change replaces lysine, which is basic and polar, with arginine, which is basic and polar, at codon 1235 of the COL4A1 protein (p.Lys1235Arg). This variant is present in population databases (rs781655700, gnomAD 0.003%). This missense change has been observed in individual(s) with clinical features of COL4A1-related conditions (PMID: 31069529, 31230195). ClinVar contains an entry for this variant (Variation ID: 1027964). An algorithm developed to predict the effect of missense changes on protein structure and function (PolyPhen-2) suggests that this variant is likely to be disruptive. In summary, the available evidence is currently insufficient to determine the role of this variant in disease. Therefore, it has been classified as a Variant of Uncertain Significance.

Baylor Genetics
Classification: Uncertain significance for Retinal arterial tortuosity. Last evaluated: 2019-10-30. Review status: criteria provided, single submitter. Criteria: ACMG Guidelines, 2015. Collection method: clinical testing. Allele origin: unknown. Affected: yes.
Comment: This variant was determined to be of uncertain significance according to ACMG Guidelines, 2015 [PMID:25741868].

Mayo Clinic Laboratories, Mayo Clinic
Classification: Uncertain significance. Last evaluated: 2019-05-20. Review status: criteria provided, single submitter. Criteria: ACMG Guidelines, 2015. Collection method: clinical testing. Allele origin: germline. Observed: 1 variant allele.

Yale Center for Mendelian Genomics, Yale University
Classification: Likely pathogenic for Congenital anomaly of kidney and urinary tract. Last evaluated: 2019-06-22. Review status: no assertion criteria provided. Collection method: literature only. Allele origin: germline. Affected: yes. Observed: 1 heterozygote. Study: Yale Center for Mendelian Genomics. Not counted in ClinVar's aggregate classification.

Literature cited by the submitters: PubMed 31069529 (cited by Labcorp Genetics (formerly Invitae), Labcorp); PubMed 31230195 (cited by Labcorp Genetics (formerly Invitae), Labcorp and Yale Center for Mendelian Genomics, Yale University).